The following is an entry in ClinVar:

NM_001376.5(DYNC1H1):c.13207G>C (p.Glu4403Gln)

Gene: DYNC1H1 (dynein cytoplasmic 1 heavy chain 1; plus strand). Cytogenetic location: 14q32.31.
Variant type: single nucleotide variant.
Coding change: c.13207G>C on transcript NM_001376.5 (MANE Select); coding-DNA position 13207, G replaced by C.
Protein change: p.Glu4403Gln; replaces glutamic acid 4403 with glutamine.
Molecular consequence: missense variant.
Genome position (GRCh38, 1-based): chr14:102,048,017, G>C. VCF-style: chr14-102048017-G-C. GRCh37 (hg19) VCF-style: chr14-102514354-G-C.
Other names: short protein forms E4403Q.
Identifiers: ClinVar variation 2132316 (VCV002132316.5), dbSNP rs2503881226, ClinGen allele CA391046761.

ClinVar aggregate classification (germline): Uncertain significance. Review status: criteria provided, multiple submitters, no conflicts (2 of 4 stars). 2 submissions from 2 submitters: Uncertain significance (2). Last evaluated 2022-09-13.

Conditions:
Charcot-Marie-Tooth disease axonal type 2O. Also called: CHARCOT-MARIE-TOOTH NEUROPATHY, AXONAL, TYPE 2O; CHARCOT-MARIE-TOOTH DISEASE, AXONAL, AUTOSOMAL DOMINANT, TYPE 2O; Charcot-Marie-Tooth disease, axonal, type 20; Charcot-Marie-Tooth Neuropathy Type 2O. Identifiers: Orphanet 284232, MedGen C3280220, MONDO:0013644, OMIM 614228.

Submissions (2):

GeneDx
Classification: Uncertain significance. Last evaluated: 2022-09-13. Review status: criteria provided, single submitter. Criteria: GeneDx Variant Classification Process June 2021. Collection method: clinical testing. Allele origin: germline. Affected: yes.
Comment: Not observed at significant frequency in large population cohorts (gnomAD); In silico analysis supports that this missense variant does not alter protein structure/function; Has not been previously published as pathogenic or benign to our knowledge; This variant is associated with the following publications: (PMID: 26100331, 25609763, 25512093)

Labcorp Genetics (formerly Invitae), Labcorp
Classification: Uncertain significance for Charcot-Marie-Tooth disease axonal type 2O. Last evaluated: 2022-09-01. Review status: criteria provided, single submitter. Criteria: Invitae Variant Classification Sherloc (09022015). Collection method: clinical testing. Allele origin: germline.
Comment: Advanced modeling of protein sequence and biophysical properties (such as structural, functional, and spatial information, amino acid conservation, physicochemical variation, residue mobility, and thermodynamic stability) performed at Invitae indicates that this missense variant is not expected to disrupt DYNC1H1 protein function. This variant has not been reported in the literature in individuals affected with DYNC1H1-related conditions. This variant is not present in population databases (gnomAD no frequency). This sequence change replaces glutamic acid, which is acidic and polar, with glutamine, which is neutral and polar, at codon 4403 of the DYNC1H1 protein (p.Glu4403Gln). In summary, the available evidence is currently insufficient to determine the role of this variant in disease. Therefore, it has been classified as a Variant of Uncertain Significance.